The following is an entry in ClinVar:

ClinVar aggregate classification (germline): Uncertain significance (1 of 4 stars; one submission).

Conditions:
Cardiovascular phenotype. Identifiers: MedGen CN230736.
Hereditary cancer-predisposing syndrome. Also called: Neoplastic Syndromes, Hereditary; Tumor predisposition; Hereditary Cancer Syndrome; Hereditary neoplastic syndrome. Identifiers: Orphanet 140162, MedGen C0027672, MeSH D009386, MONDO:0015356.

Submission:

Ambry Genetics
Classification: Uncertain significance for Cardiovascular phenotype; Hereditary cancer-predisposing syndrome. Last evaluated: 2026-06-01. Review status: criteria provided, single submitter. Criteria: Ambry Variant Classification Scheme 2023. Collection method: clinical testing. Allele origin: germline.
Comment: The p.L1716V variant (also known as c.5146C>G), located in coding exon 36 of the NF1 gene, results from a C to G substitution at nucleotide position 5146. The leucine at codon 1716 is replaced by valine, an amino acid with highly similar properties. This amino acid position is highly conserved in available vertebrate species. In addition, this alteration is predicted to be tolerated by in silico analysis. Based on the available evidence, the clinical significance of this variant remains unclear.

NM_001042492.3(NF1):c.5209C>G (p.Leu1737Val)

Gene: NF1 (neurofibromin 1; plus strand). Cytogenetic location: 17q11.2.
Variant type: single nucleotide variant.
Coding change: c.5209C>G on transcript NM_001042492.3 (MANE Select); coding-DNA position 5209, C replaced by G.
Protein change: p.Leu1737Val; replaces leucine 1737 with valine.
Molecular consequence: missense variant.
Genome position (GRCh38, 1-based): chr17:31,326,193, C>G. VCF-style: chr17-31326193-C-G. GRCh37 (hg19) VCF-style: chr17-29653211-C-G.
Other names: c.5146C>G, p.Leu1716Val (NM_000267.4); short protein forms L1716V, L1737V.
Identifiers: ClinVar variation 4860988 (VCV004860988.1).